The following is an entry in ClinVar:

NM_000719.7(CACNA1C):c.3261A>T (p.Gln1087His)

Gene: CACNA1C (calcium voltage-gated channel subunit alpha1 C; plus strand). Cytogenetic location: 12p13.33.
Variant type: single nucleotide variant.
Coding change: c.3261A>T on transcript NM_000719.7 (MANE Select); coding-DNA position 3261, A replaced by T.
Protein change: p.Gln1087His; replaces glutamine 1087 with histidine.
Molecular consequence: missense variant.
Genome position (GRCh38, 1-based): chr12:2,607,035, A>T. VCF-style: chr12-2607035-A-T. GRCh37 (hg19) VCF-style: chr12-2716201-A-T.
Other names: c.3321A>T, p.Gln1107His (NM_001129827.2, NM_001129832.2, NM_199460.4); c.3261A>T, p.Gln1087His (NM_001129829.2, NM_001129830.3, NM_001129831.2 and 15 more transcripts); c.3252A>T, p.Gln1084His (NM_001129844.2); short protein forms Q1084H, Q1087H, Q1107H.
Identifiers: ClinVar variation 3384253 (VCV003384253.1).

ClinVar aggregate classification (germline): Uncertain significance (1 of 4 stars; one submission).

Submission:

GeneDx
Classification: Uncertain significance. Last evaluated: 2024-06-05. Review status: criteria provided, single submitter. Criteria: GeneDx Variant Classification Process June 2021. Collection method: clinical testing. Allele origin: germline. Affected: yes.
Comment: Not observed at significant frequency in large population cohorts (gnomAD); In silico analysis indicates that this missense variant does not alter protein structure/function; Has not been previously published as pathogenic or benign to our knowledge